The following is an entry in ClinVar:

ClinVar aggregate classification (germline): Likely benign. Review status: criteria provided, multiple submitters, no conflicts (2 of 4 stars). 5 submissions from 5 submitters: Likely benign (3). 2 of the submissions do not count toward it. Last evaluated 2026-09-01.

Conditions:
MAPT-related disorder. Also called: MAPT-Related Disorders; MAPT-related condition.
Frontotemporal dementia (FTD1). Also called: FRONTOTEMPORAL LOBAR DEGENERATION WITH TAU INCLUSIONS; FTLD WITH TAU INCLUSIONS; MULTIPLE SYSTEM TAUOPATHY WITH PRESENILE DEMENTIA; WILHELMSEN-LYNCH DISEASE; Frontotemporal lobe dementia (FLDEM); Frontotemporal Dementia with Parkinsonism-17 (FTDP-17). Identifiers: Orphanet 282, MedGen C0338451, MONDO:0017276, OMIM 600274, HP:0002145.

Allele frequency attached by ClinVar (database versions not stated): ESP Exome Variant Server 0.00008; gnomAD exomes 0.00008 and 0.00018; ExAC 0.00011; TOPMed 0.00020; gnomAD 0.00023 and 0.00024.

Submissions (5):

CeGaT Center for Human Genetics Tuebingen
Classification: Likely benign. Last evaluated: 2026-09-01. Review status: criteria provided, single submitter. Criteria: CeGaT Center For Human Genetics Tuebingen Variant Classification Criteria Version 2. Collection method: clinical testing. Allele origin: germline. Affected: yes. Observed: 2 variant alleles.
Comment: MAPT: BP4, BP7

Labcorp Genetics (formerly Invitae), Labcorp
Classification: Likely benign for Frontotemporal dementia. Last evaluated: 2025-10-02. Review status: criteria provided, single submitter. Criteria: Invitae Variant Classification Sherloc (09022015). Collection method: clinical testing. Allele origin: germline.

Blueprint Genetics
Classification: Likely benign. Last evaluated: 2024-09-13. Review status: criteria provided, single submitter. Criteria: ACMG Guidelines, 2015. Collection method: clinical testing. Allele origin: germline.

PreventionGenetics, part of Exact Sciences
Classification: Likely benign for MAPT-related condition. Last evaluated: 2019-08-14. Review status: no assertion criteria provided. Collection method: clinical testing. Allele origin: germline. Not counted in ClinVar's aggregate classification.
Comment: This variant is classified as likely benign based on ACMG/AMP sequence variant interpretation guidelines (Richards et al. 2015 PMID: 25741868, with internal and published modifications).

VIB  Department of Molecular Genetics, University of Antwerp
No classification provided. Review status: no classification provided. Collection method: not provided. Allele origin: not provided. Not counted in ClinVar's aggregate classification.

NM_001377265.1(MAPT):c.54C>T (p.Tyr18=)

Gene: MAPT (microtubule associated protein tau). Cytogenetic location: 17q21.31.
Variant type: single nucleotide variant.
Coding change: c.54C>T on transcript NM_001377265.1 (MANE Select); coding-DNA position 54, C replaced by T.
Protein change: p.Tyr18=; no amino-acid change (tyrosine 18 retained).
Molecular consequence: synonymous variant. On other transcripts: non-coding transcript variant (1).
Genome position (GRCh38, 1-based): chr17:45,962,391, C>T. VCF-style: chr17-45962391-C-T. GRCh37 (hg19) VCF-style: chr17-44039757-C-T.
Other names: c.54C>T, p.Tyr18= (NM_001123066.4, NM_001123067.4, NM_001203251.2 and 8 more transcripts); c.54C>T (NM_001123066.3).
Identifiers: ClinVar variation 98194 (VCV000098194.38), dbSNP rs63750811, ClinGen allele CA225381.